The following is an entry in ClinVar:

NM_032043.3(BRIP1):c.507+7A>G

Gene: BRIP1 (BRCA1 interacting DNA helicase 1; minus strand). Cytogenetic location: 17q23.2.
Variant type: single nucleotide variant.
Coding change: c.507+7A>G on transcript NM_032043.3 (MANE Select); 7 bases into the intron after coding-DNA position 507, A replaced by G.
Molecular consequence: intron variant.
Genome position (GRCh38, 1-based): chr17:61,849,122, T>C on the plus strand (A>G on the coding strand, the complement: BRIP1 is on the minus strand). VCF-style: chr17-61849122-T-C. GRCh37 (hg19) VCF-style: chr17-59926483-T-C.
Identifiers: ClinVar variation 3378698 (VCV003378698.1).

ClinVar aggregate classification (germline): Likely benign (1 of 4 stars; one submission).

Conditions:
Familial cancer of breast. Also called: hereditary breast carcinoma; Hereditary breast cancer; BREAST CANCER, FAMILIAL. Identifiers: Orphanet 227535, MedGen C0346153, MONDO:0016419, OMIM 114480. Disease mechanism: loss of function.

Submission:

Myriad Genetics, Inc.
Classification: Likely benign for Familial cancer of breast. Last evaluated: 2024-08-21. Review status: criteria provided, single submitter. Criteria: Myriad Autosomal Dominant, Autosomal Recessive and X-Linked Classification Criteria (2023). Collection method: clinical testing. Allele origin: unknown.
Comment: This variant is considered likely benign. This variant is intronic and is not expected to impact mRNA splicing.